The following is an entry in ClinVar:

NM_001267550.2(TTN):c.33262A>G (p.Lys11088Glu)

Gene: TTN (titin; minus strand). Cytogenetic location: 2q31.2.
Variant type: single nucleotide variant.
Coding change: c.33262A>G on transcript NM_001267550.2 (MANE Select); coding-DNA position 33262, A replaced by G.
Protein change: p.Lys11088Glu; replaces lysine 11088 with glutamic acid.
Molecular consequence: missense variant. On other transcripts: intron variant (3).
Genome position (GRCh38, 1-based): chr2:178,681,157, T>C on the plus strand (A>G on the coding strand, the complement: TTN is on the minus strand). VCF-style: chr2-178681157-T-C. GRCh37 (hg19) VCF-style: chr2-179545884-T-C.
Other names: c.32311A>G, p.Lys10771Glu (NM_001256850.1); c.29530A>G, p.Lys9844Glu (NM_133378.4); c.13283-38840A>G (NM_003319.4); c.13859-38840A>G (NM_133437.4); c.13658-38840A>G (NM_133432.3); short protein forms K9844E, K10771E, K11088E.
Identifiers: ClinVar variation 4983476 (VCV004983476.1).

ClinVar aggregate classification (germline): Uncertain significance (1 of 4 stars; one submission).

Conditions:
TTN-related disorder. Also called: TTN-related disorders; TTN-related condition; TTN-related disease.

gnomAD v4.1: 13 of 1,602,702 alleles (0.00081%); highest among the groups gnomAD compares: African/African-American, 0.015%; no homozygotes.

Submission:

PreventionGenetics, part of Exact Sciences
Classification: Uncertain significance for TTN-related condition. Last evaluated: 2025-11-12. Review status: criteria provided, single submitter. Criteria: ACMG Guidelines, 2015. Collection method: clinical testing. Allele origin: germline.
Comment: The TTN c.33262A>G variant is predicted to result in the amino acid substitution p.Lys11088Glu. To our knowledge, this variant has not been reported in the literature. This variant is reported in 0.021% of alleles in individuals of African descent in gnomAD. At this time, the clinical significance of this variant is uncertain due to the absence of conclusive functional and genetic evidence.